The following is an entry in ClinVar:

ClinVar aggregate classification (germline): Uncertain significance (1 of 4 stars; one submission).

gnomAD v4.1: 5 of 1,613,806 alleles (0.00031%); highest among the groups gnomAD compares: African/African-American, 0.0013%; no homozygotes.

Submission:

Labcorp Genetics (formerly Invitae), Labcorp
Classification: Uncertain significance. Last evaluated: 2025-07-15. Review status: criteria provided, single submitter. Criteria: Invitae Variant Classification Sherloc (09022015). Collection method: clinical testing. Allele origin: germline.
Comment: This sequence change replaces arginine, which is basic and polar, with glutamine, which is neutral and polar, at codon 77 of the FBLN5 protein (p.Arg77Gln). This variant is not present in population databases (gnomAD no frequency). This variant has not been reported in the literature in individuals affected with FBLN5-related conditions. An algorithm developed to predict the effect of missense changes on protein structure and function (PolyPhen-2) suggests that this variant is likely to be disruptive. In summary, the available evidence is currently insufficient to determine the role of this variant in disease. Therefore, it has been classified as a Variant of Uncertain Significance.

NM_006329.4(FBLN5):c.230G>A (p.Arg77Gln)

Gene: FBLN5 (fibulin 5; minus strand). Cytogenetic location: 14q32.12.
Variant type: single nucleotide variant.
Coding change: c.230G>A on transcript NM_006329.4 (MANE Select); coding-DNA position 230, G replaced by A.
Protein change: p.Arg77Gln; replaces arginine 77 with glutamine.
Molecular consequence: missense variant.
Genome position (GRCh38, 1-based): chr14:91,937,096, C>T on the plus strand (G>A on the coding strand, the complement: FBLN5 is on the minus strand). VCF-style: chr14-91937096-C-T. GRCh37 (hg19) VCF-style: chr14-92403440-C-T.
Other names: c.353G>A, p.Arg118Gln (NM_001384158.1); c.281G>A, p.Arg94Gln (NM_001384159.1); c.230G>A, p.Arg77Gln (NM_001384160.1); c.62G>A, p.Arg21Gln (NM_001384161.1, NM_001384162.1); short protein forms R118Q, R21Q, R94Q, R77Q.
Identifiers: ClinVar variation 4702557 (VCV004702557.1).
Genomic context (GRCh38, chr14:91,937,096, plus strand): 5'-GGGGCAGCTGCTGGGTACGGACCTGAGTAGGGGGTCGAGTAGGGGTTCGAGTAGGGCCCT[C>T]GATACACAGGGTTTGTCCGGGGAATGCATAAATACCCGCCATTTTGGTTAACACACATCA-3'
Protein context (NP_006320.2, residues 67-87): LCIPRTNPVY[Arg77Gln]GPYSNPYSTP